The following is an entry in ClinVar:

NM_130849.4(SLC39A4):c.192+19G>A

Gene: SLC39A4 (solute carrier family 39 member 4; minus strand). Cytogenetic location: 8q24.3.
Variant type: single nucleotide variant.
Coding change: c.192+19G>A on transcript NM_130849.4 (MANE Select); 19 bases into the intron after coding-DNA position 192, G replaced by A.
Molecular consequence: intron variant.
Genome position (GRCh38, 1-based): chr8:144,416,579, C>T on the plus strand (G>A on the coding strand, the complement: SLC39A4 is on the minus strand). VCF-style: chr8-144416579-C-T. GRCh37 (hg19) VCF-style: chr8-145641963-C-T.
Other names: c.192+19G>A (NM_130849.3, NM_001374839.1).
Identifiers: ClinVar variation 1455861 (VCV001455861.12), dbSNP rs368996660, ClinGen allele CA4941829.

ClinVar aggregate classification (germline): Pathogenic/Likely pathogenic. Review status: criteria provided, multiple submitters, no conflicts (2 of 4 stars). 6 submissions from 6 submitters: Pathogenic (3); Likely pathogenic (3). Last evaluated 2026-04-02.

Conditions:
SLC39A4-related disorder. Also called: SLC39A4-related condition.
Hereditary acrodermatitis enteropathica (AEZ). Also called: Acrodermatitis enteropathica. Identifiers: Orphanet 37, MedGen C0221036, MONDO:0008713, OMIM 201100.

Allele frequency attached by ClinVar (database versions not stated): gnomAD exomes 0.00020; ExAC 0.00045; ESP Exome Variant Server 0.00047; 1000 Genomes Project 0.00060; 1000 Genomes Project 30x 0.00062.

Submissions (6):

GeneDx
Classification: Likely pathogenic. Last evaluated: 2026-04-02. Review status: criteria provided, single submitter. Criteria: GeneDx Variant Classification Process June 2021. Collection method: clinical testing. Allele origin: germline.
Comment: In silico analysis suggests that this variant does not alter splicing; This variant is associated with the following publications: (PMID: 16819703, 28717982, 12068297, 19370757, Vlez-Tirado2025[CaseReport])

Labcorp Genetics (formerly Invitae), Labcorp
Classification: Pathogenic. Last evaluated: 2025-12-08. Review status: criteria provided, single submitter. Criteria: Invitae Variant Classification Sherloc (09022015). Collection method: clinical testing. Allele origin: germline.
Comment: This sequence change falls in intron 1 of the SLC39A4 gene. It does not directly change the encoded amino acid sequence of the SLC39A4 protein. This variant is present in population databases (rs368996660, gnomAD 0.07%). This variant has been observed in individual(s) with acrodermatitis enteropathica (PMID: 12068297, 16819703). In at least one individual the data is consistent with being in trans (on the opposite chromosome) from a pathogenic variant. It has also been observed to segregate with disease in related individuals. ClinVar contains an entry for this variant (Variation ID: 1455861). Algorithms developed to predict the effect of sequence changes on RNA splicing suggest that this variant is not likely to affect RNA splicing. For these reasons, this variant has been classified as Pathogenic.

Natera, Inc.
Classification: Likely pathogenic for Acrodermatitis enteropathica. Last evaluated: 2025-09-23. Review status: criteria provided, single submitter. Criteria: Natera Variant Classification Schema (03/2026). Collection method: clinical testing. Allele origin: germline.
Comment: The c.192+19G>A variant in SLC39A4 is an intronic variant located outside the canonical splice sites. This variant is rare in the general population with a frequency below the threshold expected for the associated phenotype(s). This variant has been observed in one or more individuals affected with the associated recessive disease, as either homozygous or compound heterozygous with a second variant (PMID: 16819703, 12955721, 28717982). Additionally, this variant has been observed to segregate in affected family members (PMID: 16819703). Given the available evidence, this variant is classified as Likely Pathogenic.

Fulgent Genetics
Classification: Likely pathogenic for Hereditary acrodermatitis enteropathica. Last evaluated: 2024-04-03. Review status: criteria provided, single submitter. Criteria: ACMG Guidelines, 2015. Collection method: clinical testing. Allele origin: germline.

Women's Health and Genetics/Laboratory Corporation of America, LabCorp
Classification: Pathogenic for Hereditary acrodermatitis enteropathica. Last evaluated: 2023-12-08. Review status: criteria provided, single submitter. Criteria: LabCorp Variant Classification Summary - May 2015. Collection method: clinical testing. Allele origin: germline.
Comment: Variant summary: SLC39A4 c.192+19G>A alters a non-conserved nucleotide located at a position not widely known to affect splicing. However, several computational tools predict a significant impact on normal splicing: Three predict the variant creates a 3' acceptor site. Although, these predictions have yet to be confirmed by functional studies. The variant allele was found at a frequency of 0.0002 in 167754 control chromosomes (gnomAD). This frequency is not significantly higher than estimated for a pathogenic variant in SLC39A4 causing Acrodermatitis Enteropathica (0.0002 vs 0.0022), allowing no conclusion about variant significance. c.192+19G>A has been reported in the literature as a biallelic genotype in multiple individuals affected with Acrodermatitis Enteropathica, has been found to segregate with the disease phenotype in at least two families, and has been found in trans with a pathogenic variant in an affected individual (e.g. Kury_2002, Lehnert_2006, Schmitt_2009). These data indicate that the variant is very likely to be associated with disease. To our knowledge, no experimental evidence demonstrating an impact on protein function has been reported. The following publications have been ascertained in the context of this evaluation (PMID: 12068297, 16819703, 19370757). One submitter has cited a clinical-significance assessment for this variant to ClinVar after 2014 and has classified the variant as pathogenic. Based on the evidence outlined above, the variant was classified as pathogenic.

Blueprint Genetics
Classification: Pathogenic for SLC39A4-related disorders. Last evaluated: 2023-05-26. Review status: criteria provided, single submitter. Criteria: ACMG Guidelines, 2015. Collection method: clinical testing. Allele origin: germline. Affected: yes. Observed: 5 variant alleles.

Literature cited by the submitters: PubMed 12068297 (cited by Labcorp Genetics (formerly Invitae), Labcorp and Women's Health and Genetics/Laboratory Corporation of America, LabCorp); PubMed 16819703 (cited by 3 submitters); PubMed 12955721 (cited by Natera, Inc.); PubMed 28717982 (cited by Natera, Inc.); PubMed 19370757 (cited by Women's Health and Genetics/Laboratory Corporation of America, LabCorp).